The following is an entry in ClinVar:

NM_005629.4(SLC6A8):c.1270G>A (p.Gly424Ser)

Gene: SLC6A8 (solute carrier family 6 member 8; plus strand). Cytogenetic location: Xq28.
Variant type: single nucleotide variant.
Coding change: c.1270G>A on transcript NM_005629.4 (MANE Select); coding-DNA position 1270, G replaced by A.
Protein change: p.Gly424Ser; replaces glycine 424 with serine.
Molecular consequence: missense variant.
Genome position (GRCh38, 1-based): chrX:153,694,145, G>A. VCF-style: chrX-153694145-G-A. GRCh37 (hg19) VCF-style: chrX-152959600-G-A.
Other names: c.1240G>A, p.Gly414Ser (NM_001142805.2); c.925G>A, p.Gly309Ser (NM_001142806.1); short protein forms G309S, G424S, G414S.
Identifiers: ClinVar variation 3636724 (VCV003636724.2).

ClinVar aggregate classification (germline): Uncertain significance (1 of 4 stars; one submission).

Conditions:
Creatine transporter deficiency (CCDS1). Also called: Mental retardation , X-linked with seizures, short stature and midface hypoplasia; Mental retardation , X-linked, with creatine transport deficiency; X-linked creatine transporter deficiency; X-linked creatine deficiency syndrome; SLC6A8-Related Creatine Transporter Deficiency; CREATINE TRANSPORTER DEFECT. Identifiers: Orphanet 52503, MedGen C1845862, MONDO:0010305, OMIM 300352.

Submission:

Labcorp Genetics (formerly Invitae), Labcorp
Classification: Uncertain significance for Creatine transporter deficiency. Last evaluated: 2024-05-10. Review status: criteria provided, single submitter. Criteria: Invitae Variant Classification Sherloc (09022015). Collection method: clinical testing. Allele origin: germline.
Comment: This sequence change replaces glycine, which is neutral and non-polar, with serine, which is neutral and polar, at codon 424 of the SLC6A8 protein (p.Gly424Ser). This variant is not present in population databases (gnomAD no frequency). This variant has not been reported in the literature in individuals affected with SLC6A8-related conditions. Advanced modeling of protein sequence and biophysical properties (such as structural, functional, and spatial information, amino acid conservation, physicochemical variation, residue mobility, and thermodynamic stability) performed at Invitae indicates that this missense variant is not expected to disrupt SLC6A8 protein function with a negative predictive value of 80%. This variant disrupts the p.Gly424 amino acid residue in SLC6A8. Other variant(s) that disrupt this residue have been determined to be pathogenic (PMID: 22281021, 24137762). This suggests that this residue is clinically significant, and that variants that disrupt this residue are likely to be disease-causing. In summary, the available evidence is currently insufficient to determine the role of this variant in disease. Therefore, it has been classified as a Variant of Uncertain Significance.

Literature cited by the submitters: PubMed 22281021; PubMed 24137762.